The following is an entry in ClinVar:

ClinVar aggregate classification (germline): Uncertain significance (1 of 4 stars; one submission).

Submission:

Labcorp Genetics (formerly Invitae), Labcorp
Classification: Uncertain significance. Last evaluated: 2021-10-23. Review status: criteria provided, single submitter. Criteria: Invitae Variant Classification Sherloc (09022015). Collection method: clinical testing. Allele origin: germline.
Comment: This sequence change replaces aspartic acid, which is acidic and polar, with asparagine, which is neutral and polar, at codon 252 of the SLC24A5 protein (p.Asp252Asn). This variant is not present in population databases (gnomAD no frequency). This variant has not been reported in the literature in individuals affected with SLC24A5-related conditions. Algorithms developed to predict the effect of missense changes on protein structure and function output the following: SIFT: "Tolerated"; PolyPhen-2: "Benign"; Align-GVGD: "Class C0". The asparagine amino acid residue is found in multiple mammalian species, which suggests that this missense change does not adversely affect protein function. In summary, the available evidence is currently insufficient to determine the role of this variant in disease. Therefore, it has been classified as a Variant of Uncertain Significance.

NM_205850.3(SLC24A5):c.754G>A (p.Asp252Asn)

Genes: MYEF2 (myelin expression factor 2; minus strand), SLC24A5 (solute carrier family 24 member 5; plus strand). Cytogenetic location: 15q21.1.
Variant type: single nucleotide variant.
Coding change: c.754G>A on transcript NM_205850.3 (MANE Select); coding-DNA position 754, G replaced by A.
Protein change: p.Asp252Asn; replaces aspartic acid 252 with asparagine.
Molecular consequence: missense variant. On other transcripts: 3 prime UTR variant (2).
Genome position (GRCh38, 1-based): chr15:48,136,846, G>A. VCF-style: chr15-48136846-G-A. GRCh37 (hg19) VCF-style: chr15-48429043-G-A.
Other names: c.*6062C>T (NM_001301210.2, NM_016132.5); short protein forms D252N.
Identifiers: ClinVar variation 1498927 (VCV001498927.3), dbSNP rs2140741418, ClinGen allele CA392451811.